The following is an entry in ClinVar:

ClinVar aggregate classification (germline): Uncertain significance (1 of 4 stars; one submission).

Submission:

Labcorp Genetics (formerly Invitae), Labcorp
Classification: Uncertain significance. Last evaluated: 2024-01-09. Review status: criteria provided, single submitter. Criteria: Invitae Variant Classification Sherloc (09022015). Collection method: clinical testing. Allele origin: germline.
Comment: This sequence change replaces serine, which is neutral and polar, with arginine, which is basic and polar, at codon 972 of the ERCC6L2 protein (p.Ser972Arg). This variant is not present in population databases (gnomAD no frequency). This variant has not been reported in the literature in individuals affected with ERCC6L2-related conditions. Experimental studies and prediction algorithms are not available or were not evaluated, and the functional significance of this variant is currently unknown. In summary, the available evidence is currently insufficient to determine the role of this variant in disease. Therefore, it has been classified as a Variant of Uncertain Significance.

NM_020207.7(ERCC6L2):c.2881A>C (p.Ser961Arg)

Gene: ERCC6L2 (ERCC excision repair 6 like 2; plus strand). Cytogenetic location: 9q22.32.
Variant type: single nucleotide variant.
Coding change: c.2881A>C on transcript NM_020207.7 (MANE Select); coding-DNA position 2881, A replaced by C.
Protein change: p.Ser961Arg; replaces serine 961 with arginine.
Molecular consequence: missense variant. On other transcripts: non-coding transcript variant (1).
Genome position (GRCh38, 1-based): chr9:95,972,632, A>C. VCF-style: chr9-95972632-A-C. GRCh37 (hg19) VCF-style: chr9-98734914-A-C.
Other names: c.2881A>C, p.Ser961Arg (NM_001375293.1, NM_001375294.1, NM_001375291.1 and 1 more transcripts); short protein forms S961R.
Identifiers: ClinVar variation 3021138 (VCV003021138.1), dbSNP rs2490556325, ClinGen allele CA2740095525.